The following is an entry in ClinVar:

ClinVar aggregate classification (germline): Uncertain significance (1 of 4 stars; one submission).

Conditions:
ZSWIM6-related disorder. Also called: ZSWIM6-related condition.

Submission:

PreventionGenetics, part of Exact Sciences
Classification: Uncertain significance for ZSWIM6-related condition. Last evaluated: 2023-05-05. Review status: criteria provided, single submitter. Criteria: ACMG Guidelines, 2015. Collection method: clinical testing. Allele origin: germline.
Comment: The ZSWIM6 c.1696G>C variant is predicted to result in the amino acid substitution p.Val566Leu. To our knowledge, this variant has not been reported in the literature or in a large population database, indicating this variant is rare. At this time, the clinical significance of this variant is uncertain due to the absence of conclusive functional and genetic evidence.

NM_020928.2(ZSWIM6):c.1696G>C (p.Val566Leu)

Gene: ZSWIM6 (zinc finger SWIM-type containing 6; plus strand). Cytogenetic location: 5q12.1.
Variant type: single nucleotide variant.
Coding change: c.1696G>C on transcript NM_020928.2 (MANE Select); coding-DNA position 1696, G replaced by C.
Protein change: p.Val566Leu; replaces valine 566 with leucine.
Molecular consequence: missense variant.
Genome position (GRCh38, 1-based): chr5:61,526,255, G>C. VCF-style: chr5-61526255-G-C. GRCh37 (hg19) VCF-style: chr5-60822082-G-C.
Other names: short protein forms V566L.
Identifiers: ClinVar variation 2632766 (VCV002632766.1), dbSNP rs1012794487, ClinGen allele CA359943661.